The following is an entry in ClinVar:

ClinVar aggregate classification (germline): Uncertain significance. Review status: criteria provided, multiple submitters, no conflicts (2 of 4 stars). 4 submissions from 4 submitters: Uncertain significance (4). Last evaluated 2024-09-26.

Conditions:
Inborn genetic diseases. Identifiers: MedGen C0950123, MeSH D030342.
Hereditary glaucoma, primary closed-angle. Also called: Glaucoma, primary closed-angle. Identifiers: MedGen C5394374, MONDO:0030038, OMIM 618880.

Allele frequency attached by ClinVar (database versions not stated): ESP Exome Variant Server 0.00016; gnomAD exomes 0.00016 and 0.00026; TOPMed 0.00017; gnomAD 0.00019 and 0.00021; ExAC 0.00021.
gnomAD v4.1: 393 of 1,610,852 alleles (0.024%); highest among the groups gnomAD compares: Non-Finnish European, 0.032%; no homozygotes.

Submissions (4):

Ambry Genetics
Classification: Uncertain significance for Inborn genetic diseases. Last evaluated: 2024-09-26. Review status: criteria provided, single submitter. Criteria: Ambry Variant Classification Scheme 2023. Collection method: clinical testing. Allele origin: germline.

GeneDx
Classification: Uncertain significance. Last evaluated: 2024-04-12. Review status: criteria provided, single submitter. Criteria: GeneDx Variant Classification Process June 2021. Collection method: clinical testing. Allele origin: germline. Affected: yes.
Comment: In silico analysis supports that this missense variant has a deleterious effect on protein structure/function; Has not been previously published as pathogenic or benign to our knowledge

Labcorp Genetics (formerly Invitae), Labcorp
Classification: Uncertain significance. Last evaluated: 2023-12-11. Review status: criteria provided, single submitter. Criteria: Invitae Variant Classification Sherloc (09022015). Collection method: clinical testing. Allele origin: germline.
Comment: This sequence change replaces threonine, which is neutral and polar, with methionine, which is neutral and non-polar, at codon 304 of the COL18A1 protein (p.Thr304Met). This variant is present in population databases (rs200230216, gnomAD 0.03%). This variant has not been reported in the literature in individuals affected with COL18A1-related conditions. ClinVar contains an entry for this variant (Variation ID: 1481487). Experimental studies and prediction algorithms are not available or were not evaluated, and the functional significance of this variant is currently unknown. In summary, the available evidence is currently insufficient to determine the role of this variant in disease. Therefore, it has been classified as a Variant of Uncertain Significance.

MGZ Medical Genetics Center
Classification: Uncertain significance for Hereditary glaucoma, primary closed-angle. Last evaluated: 2021-08-17. Review status: criteria provided, single submitter. Criteria: ACMG Guidelines, 2015. Collection method: clinical testing. Allele origin: germline. Affected: yes. Observed: 1 variant allele.
Comment: ACMG criteria applied: PM2_SUP

NM_001379500.1(COL18A1):c.911C>T (p.Thr304Met)

Gene: COL18A1 (collagen type XVIII alpha 1 chain; plus strand). Cytogenetic location: 21q22.3.
Variant type: single nucleotide variant.
Coding change: c.911C>T on transcript NM_001379500.1 (MANE Select); coding-DNA position 911, C replaced by T.
Protein change: p.Thr304Met; replaces threonine 304 with methionine.
Molecular consequence: missense variant.
Genome position (GRCh38, 1-based): chr21:45,476,463, C>T. VCF-style: chr21-45476463-C-T. GRCh37 (hg19) VCF-style: chr21-46896377-C-T.
Other names: NM_130445.2:c.911C>T; c.1451C>T, p.Thr484Met (NM_030582.4); c.2156C>T, p.Thr719Met (NM_130444.3); short protein forms T484M, T719M, T304M.
Identifiers: ClinVar variation 1481487 (VCV001481487.8), dbSNP rs200230216, ClinGen allele CA10065982.